The following is an entry in ClinVar:

NM_001322934.2(NFKB2):c.993C>A (p.Asp331Glu)

Gene: NFKB2 (nuclear factor kappa B subunit 2; plus strand). Cytogenetic location: 10q24.32.
Variant type: single nucleotide variant.
Coding change: c.993C>A on transcript NM_001322934.2 (MANE Select); coding-DNA position 993, C replaced by A.
Protein change: p.Asp331Glu; replaces aspartic acid 331 with glutamic acid.
Molecular consequence: missense variant. On other transcripts: intron variant (1).
Genome position (GRCh38, 1-based): chr10:102,398,740, C>A. VCF-style: chr10-102398740-C-A. GRCh37 (hg19) VCF-style: chr10-104158497-C-A.
Other names: c.993C>A, p.Asp331Glu (NM_001077494.3, NM_001261403.3, NM_001288724.1 and 1 more transcripts); c.991+217C>A (NM_001322935.1); short protein forms D331E.
Identifiers: ClinVar variation 3682677 (VCV003682677.2).

ClinVar aggregate classification (germline): Uncertain significance (1 of 4 stars; one submission).

Conditions:
Immunodeficiency, common variable, 10. Also called: IMMUNODEFICIENCY, COMMON VARIABLE, WITH CENTRAL ADRENAL INSUFFICIENCY; DEFICIT IN ANTERIOR PITUITARY FUNCTION AND VARIABLE IMMUNODEFICIENCY. Identifiers: MedGen C3809991, MONDO:0014260, OMIM 615577.

gnomAD v4.1: 3 of 1,612,220 alleles (0.00019%); highest among the groups gnomAD compares: Non-Finnish European, 0.00025%; no homozygotes.

Submission:

Labcorp Genetics (formerly Invitae), Labcorp
Classification: Uncertain significance for Immunodeficiency, common variable, 10. Last evaluated: 2024-05-02. Review status: criteria provided, single submitter. Criteria: Invitae Variant Classification Sherloc (09022015). Collection method: clinical testing. Allele origin: germline.
Comment: This sequence change replaces aspartic acid, which is acidic and polar, with glutamic acid, which is acidic and polar, at codon 331 of the NFKB2 protein (p.Asp331Glu). This variant is present in population databases (no rsID available, gnomAD 0.002%). This variant has not been reported in the literature in individuals affected with NFKB2-related conditions. An algorithm developed to predict the effect of missense changes on protein structure and function (PolyPhen-2) suggests that this variant is likely to be disruptive. In summary, the available evidence is currently insufficient to determine the role of this variant in disease. Therefore, it has been classified as a Variant of Uncertain Significance.